The following is an entry in ClinVar:

NM_000228.3(LAMB3):c.484C>T (p.Gln162Ter)

Gene: LAMB3 (laminin subunit beta 3; minus strand). Cytogenetic location: 1q32.2.
Variant type: single nucleotide variant.
Coding change: c.484C>T on transcript NM_000228.3 (MANE Select); coding-DNA position 484, C replaced by T.
Protein change: p.Gln162Ter; replaces glutamine 162 with a stop codon.
Molecular consequence: nonsense.
Genome position (GRCh38, 1-based): chr1:209,634,527, G>A on the plus strand (C>T on the coding strand, the complement: LAMB3 is on the minus strand). VCF-style: chr1-209634527-G-A. GRCh37 (hg19) VCF-style: chr1-209807872-G-A.
Other names: c.484C>T, p.Gln162Ter (NM_001017402.2, NM_001127641.1); short protein forms Q162*.
Identifiers: ClinVar variation 1453477 (VCV001453477.9), dbSNP rs2102438416, ClinGen allele CA344595902.

ClinVar aggregate classification (germline): Pathogenic. Review status: criteria provided, multiple submitters, no conflicts (2 of 4 stars). 2 submissions from 2 submitters: Pathogenic (2). Last evaluated 2026-04-30.

Conditions:
Junctional epidermolysis bullosa. Identifiers: Orphanet 305, MedGen C0079301, MONDO:0017612.

Submissions (2):

Myriad Genetics, Inc.
Classification: Pathogenic for Junctional epidermolysis bullosa. Last evaluated: 2026-04-30. Review status: criteria provided, single submitter. Criteria: Myriad Autosomal Dominant, Autosomal Recessive and X-Linked Classification Criteria (2023). Collection method: clinical testing. Allele origin: unknown.
Comment: NM_000228.2(LAMB3):c.484C>T(Q162*) is a nonsense variant classified as pathogenic in the context of junctional epidermolysis bullosa, LAMB3-related. Q162* has been observed in a case with relevant disease (PMID: 29900604). Relevant functional assessments of this variant are not available in the literature. Q162* has not been observed in referenced population frequency databases. In summary, NM_000228.2(LAMB3):c.484C>T(Q162*) is a nonsense variant in a gene where loss of function is a known mechanism of disease, is predicted to disrupt protein function, and has been observed more frequently in cases with the relevant disease than in healthy populations. Please note: this variant was assessed in the context of healthy population screening.

Labcorp Genetics (formerly Invitae), Labcorp
Classification: Pathogenic. Last evaluated: 2023-09-08. Review status: criteria provided, single submitter. Criteria: Invitae Variant Classification Sherloc (09022015). Collection method: clinical testing. Allele origin: germline.
Comment: This sequence change creates a premature translational stop signal (p.Gln162*) in the LAMB3 gene. It is expected to result in an absent or disrupted protein product. Loss-of-function variants in LAMB3 are known to be pathogenic (PMID: 11023379, 16473856). This variant is not present in population databases (gnomAD no frequency). For these reasons, this variant has been classified as Pathogenic. Algorithms developed to predict the effect of sequence changes on RNA splicing suggest that this variant may create or strengthen a splice site. ClinVar contains an entry for this variant (Variation ID: 1453477). This premature translational stop signal has been observed in individual(s) with clinical features of autosomal recessive junctional epidermolysis bullosa (PMID: 29900604).

Literature cited by the submitters: PubMed 29900604 (cited by Myriad Genetics, Inc. and Labcorp Genetics (formerly Invitae), Labcorp); PubMed 11023379 (cited by Labcorp Genetics (formerly Invitae), Labcorp); PubMed 16473856 (cited by Labcorp Genetics (formerly Invitae), Labcorp).